The following is an entry in ClinVar:

NM_138927.4(SON):c.2706_2707delinsCA (p.Ser903Thr)

Gene: SON (SON DNA and RNA binding protein; plus strand). Cytogenetic location: 21q22.11.
Variant type: Indel.
Coding change: c.2706_2707delinsCA on transcript NM_138927.4 (MANE Select); coding-DNA positions 2706 to 2707, TT replaced by CA.
Protein change: p.Ser903Thr; replaces serine 903 with threonine.
Molecular consequence: missense variant. On other transcripts: non-coding transcript variant (1), intron variant (1).
Genome position (GRCh38, 1-based): chr21:33,551,937-33,551,938, TT replaced by CA. VCF-style: chr21-33551937-TT-CA. GRCh37 (hg19) VCF-style: chr21-34924243-TT-CA.
Other names: c.2706_2707delinsCA, p.Ser903Thr (NM_001291411.2, NM_032195.3); c.245-5219_245-5218delinsCA (NM_001291412.3); short protein forms S903T.
Identifiers: ClinVar variation 4775943 (VCV004775943.1).

ClinVar aggregate classification (germline): Uncertain significance (1 of 4 stars; one submission).

Submission:

Labcorp Genetics (formerly Invitae), Labcorp
Classification: Uncertain significance. Last evaluated: 2026-01-05. Review status: criteria provided, single submitter. Criteria: Invitae Variant Classification Sherloc (09022015). Collection method: clinical testing. Allele origin: germline.
Comment: This sequence change replaces serine, which is neutral and polar, with threonine, which is neutral and polar, at codon 903 of the SON protein (p.Ser903Thr). Information on the frequency of this variant in the gnomAD database is not available, as this variant may be reported differently in the database. This variant has not been reported in the literature in individuals affected with SON-related conditions. Experimental studies and prediction algorithms are not available or were not evaluated, and the functional significance of this variant is currently unknown. In summary, the available evidence is currently insufficient to determine the role of this variant in disease. Therefore, it has been classified as a Variant of Uncertain Significance.